The following is an entry in ClinVar:

NM_015046.7(SETX):c.3955G>A (p.Val1319Ile)

Gene: SETX (senataxin; minus strand). Cytogenetic location: 9q34.13.
Variant type: single nucleotide variant.
Coding change: c.3955G>A on transcript NM_015046.7 (MANE Select); coding-DNA position 3955, G replaced by A.
Protein change: p.Val1319Ile; replaces valine 1319 with isoleucine.
Molecular consequence: missense variant.
Genome position (GRCh38, 1-based): chr9:132,327,643, C>T on the plus strand (G>A on the coding strand, the complement: SETX is on the minus strand). VCF-style: chr9-132327643-C-T. GRCh37 (hg19) VCF-style: chr9-135203030-C-T.
Other names: c.3955G>A, p.Val1319Ile (NM_001351527.2, NM_001351528.2); short protein forms V1319I.
Identifiers: ClinVar variation 653482 (VCV000653482.24), dbSNP rs771168824, ClinGen allele CA5297297.

ClinVar aggregate classification (germline): Uncertain significance. Review status: criteria provided, multiple submitters, no conflicts (2 of 4 stars). 3 submissions from 3 submitters: Uncertain significance (3). Last evaluated 2025-06-29.

Conditions:
Inborn genetic diseases. Identifiers: MedGen C0950123, MeSH D030342.
Spinocerebellar ataxia, autosomal recessive, with axonal neuropathy 2 (SCAN2). Also called: Ataxia-ocular apraxia-2; Ataxia with Oculomotor Apraxia; Ataxia with Oculomotor Apraxia Type 2; ATAXIA-OCULOMOTOR APRAXIA 2. Identifiers: Orphanet 64753, MedGen C1853761, MONDO:0018996, OMIM 606002.
Amyotrophic lateral sclerosis type 4 (ALS4). Also called: AMYOTROPHIC LATERAL SCLEROSIS 4, JUVENILE; NEURONOPATHY, DISTAL HEREDITARY MOTOR, WITH PYRAMIDAL FEATURES. Identifiers: Orphanet 357043, MedGen C1865409, MONDO:0011223, OMIM 602433.

Allele frequency attached by ClinVar (database versions not stated): gnomAD exomes below 0.00001 and 0.00001; ExAC 0.00001; TOPMed 0.00001; gnomAD 0.00002.
gnomAD v4.1: 4 of 1,613,838 alleles (0.00025%); highest among the groups gnomAD compares: Non-Finnish European, 0.00034%; no homozygotes.

Submissions (3):

Ambry Genetics
Classification: Uncertain significance for Inborn genetic diseases. Last evaluated: 2025-06-29. Review status: criteria provided, single submitter. Criteria: Ambry Variant Classification Scheme 2023. Collection method: clinical testing. Allele origin: germline.

CeGaT Center for Human Genetics Tuebingen
Classification: Uncertain significance. Last evaluated: 2024-10-01. Review status: criteria provided, single submitter. Criteria: CeGaT Center For Human Genetics Tuebingen Variant Classification Criteria Version 2. Collection method: clinical testing. Allele origin: germline. Affected: yes. Observed: 1 variant allele.
Comment: SETX: PM2

Labcorp Genetics (formerly Invitae), Labcorp
Classification: Uncertain significance for Amyotrophic lateral sclerosis type 4; Spinocerebellar ataxia, autosomal recessive, with axonal neuropathy 2. Last evaluated: 2018-07-20. Review status: criteria provided, single submitter. Criteria: Invitae Variant Classification Sherloc (09022015). Collection method: clinical testing. Allele origin: germline.
Comment: Algorithms developed to predict the effect of missense changes on protein structure and function (SIFT, PolyPhen-2, Align-GVGD) all suggest that this variant is likely to be tolerated, but these predictions have not been confirmed by published functional studies and their clinical significance is uncertain. In summary, the available evidence is currently insufficient to determine the role of this variant in disease. Therefore, it has been classified as a Variant of Uncertain Significance. This variant has not been reported in the literature in individuals with SETX-related disease. This sequence change replaces valine with isoleucine at codon 1319 of the SETX protein (p.Val1319Ile). The valine residue is moderately conserved and there is a small physicochemical difference between valine and isoleucine. This variant is present in population databases (rs771168824, ExAC 0.001%).